The following is an entry in ClinVar:

NM_004380.3(CREBBP):c.5242G>T (p.Gly1748Cys)

Gene: CREBBP (CREB binding lysine acetyltransferase; minus strand). Cytogenetic location: 16p13.3.
Variant type: single nucleotide variant.
Coding change: c.5242G>T on transcript NM_004380.3 (MANE Select); coding-DNA position 5242, G replaced by T.
Protein change: p.Gly1748Cys; replaces glycine 1748 with cysteine.
Molecular consequence: missense variant.
Genome position (GRCh38, 1-based): chr16:3,729,805, C>A on the plus strand (G>T on the coding strand, the complement: CREBBP is on the minus strand). VCF-style: chr16-3729805-C-A. GRCh37 (hg19) VCF-style: chr16-3779806-C-A.
Other names: c.5128G>T, p.Gly1710Cys (NM_001079846.1); short protein forms G1710C, G1748C.
Identifiers: ClinVar variation 1716165 (VCV001716165.6), dbSNP rs2548351606, ClinGen allele CA394557532.

ClinVar aggregate classification (germline): Uncertain significance. Review status: criteria provided, multiple submitters, no conflicts (2 of 4 stars). 2 submissions from 2 submitters: Uncertain significance (2). Last evaluated 2022-10-19.

Conditions:
Rubinstein-Taybi syndrome (RSTS). Identifiers: Orphanet 783, MedGen C0035934, MONDO:0019188.
Rubinstein-Taybi syndrome due to CREBBP mutations (RSTS1). Also called: BROAD THUMB-HALLUX SYNDROME; RUBINSTEIN-TAYBI SYNDROME 1, INCOMPLETE; Rubinstein-Taybi syndrome 1; BROAD THUMBS AND GREAT TOES, CHARACTERISTIC FACIES, AND IMPAIRED INTELLECTUAL DEVELOPMENT; RUBINSTEIN SYNDROME; CREBBP-Related Rubinstein-Taybi Syndrome. Identifiers: Orphanet 353277, Orphanet 783, MedGen C4551859, MONDO:0008393, OMIM 180849.

Submissions (2):

Baylor Genetics
Classification: Uncertain significance for Rubinstein-Taybi syndrome due to CREBBP mutations. Last evaluated: 2022-10-19. Review status: criteria provided, single submitter. Criteria: ACMG Guidelines, 2015. Collection method: clinical testing. Allele origin: unknown.

Labcorp Genetics (formerly Invitae), Labcorp
Classification: Uncertain significance for Rubinstein-Taybi syndrome. Last evaluated: 2022-09-04. Review status: criteria provided, single submitter. Criteria: Invitae Variant Classification Sherloc (09022015). Collection method: clinical testing. Allele origin: germline.
Comment: In summary, the available evidence is currently insufficient to determine the role of this variant in disease. Therefore, it has been classified as a Variant of Uncertain Significance. Algorithms developed to predict the effect of missense changes on protein structure and function are either unavailable or do not agree on the potential impact of this missense change (SIFT: "Deleterious"; PolyPhen-2: "Not Available"; Align-GVGD: "Class C65"). This variant has not been reported in the literature in individuals affected with CREBBP-related conditions. This variant is not present in population databases (gnomAD no frequency). This sequence change replaces glycine, which is neutral and non-polar, with cysteine, which is neutral and slightly polar, at codon 1748 of the CREBBP protein (p.Gly1748Cys).